The following is an entry in ClinVar:

ClinVar aggregate classification (germline): Uncertain significance (1 of 4 stars; one submission).

gnomAD v4.1: 1 of 1,614,124 alleles (0.000062%); highest among the groups gnomAD compares: Admixed American, 0.0017%; no homozygotes.

Submission:

Labcorp Genetics (formerly Invitae), Labcorp
Classification: Uncertain significance. Last evaluated: 2025-04-21. Review status: criteria provided, single submitter. Criteria: Invitae Variant Classification Sherloc (09022015). Collection method: clinical testing. Allele origin: germline.
Comment: This sequence change replaces glutamic acid, which is acidic and polar, with lysine, which is basic and polar, at codon 225 of the WBP2 protein (p.Glu225Lys). This variant is present in population databases (rs774381170, gnomAD 0.003%). This variant has not been reported in the literature in individuals affected with WBP2-related conditions. An algorithm developed to predict the effect of missense changes on protein structure and function (PolyPhen-2) suggests that this variant is likely to be tolerated. In summary, the available evidence is currently insufficient to determine the role of this variant in disease. Therefore, it has been classified as a Variant of Uncertain Significance.

NM_012478.4(WBP2):c.673G>A (p.Glu225Lys)

Gene: WBP2 (WW domain binding protein 2; minus strand). Cytogenetic location: 17q25.1.
Variant type: single nucleotide variant.
Coding change: c.673G>A on transcript NM_012478.4 (MANE Select); coding-DNA position 673, G replaced by A.
Protein change: p.Glu225Lys; replaces glutamic acid 225 with lysine.
Molecular consequence: missense variant.
Genome position (GRCh38, 1-based): chr17:75,846,967, C>T on the plus strand (G>A on the coding strand, the complement: WBP2 is on the minus strand). VCF-style: chr17-75846967-C-T. GRCh37 (hg19) VCF-style: chr17-73843048-C-T.
Other names: c.538G>A, p.Glu180Lys (NM_001330499.2); c.673G>A, p.Glu225Lys (NM_001348170.1); short protein forms E180K, E225K.
Identifiers: ClinVar variation 4715060 (VCV004715060.1).